The following is an entry in ClinVar:

ClinVar aggregate classification (germline): Uncertain significance (0 of 4 stars; one submission).

Conditions:
POLG-related disorder. Also called: POLG-Related Spectrum Disorders; POLG-related condition; POLG-Related Disorders. Identifiers: MedGen C4763519.

gnomAD v4.1: 3 of 1,525,562 alleles (0.0002%); highest among the groups gnomAD compares: African/African-American, 0.0014%; no homozygotes.

Submission:

PreventionGenetics, part of Exact Sciences
Classification: Uncertain significance for POLG-related condition. Last evaluated: 2024-06-12. Review status: no assertion criteria provided. Collection method: clinical testing. Allele origin: germline.
Comment: The POLG c.626C>G variant is predicted to result in the amino acid substitution p.Pro209Arg. To our knowledge, this variant has not been reported in the literature or in a large population database, indicating this variant is rare. At this time, the clinical significance of this variant is uncertain due to the absence of conclusive functional and genetic evidence.

NM_002693.3(POLG):c.626C>G (p.Pro209Arg)

Genes: POLG (DNA polymerase gamma, catalytic subunit; minus strand), POLGARF (POLG alternative reading frame; minus strand). Cytogenetic location: 15q26.1.
Variant type: single nucleotide variant.
Coding change: c.626C>G on transcript NM_002693.3 (MANE Select); coding-DNA position 626, C replaced by G.
Protein change: p.Pro209Arg; replaces proline 209 with arginine.
Molecular consequence: missense variant. On other transcripts: synonymous variant (1).
Genome position (GRCh38, 1-based): chr15:89,333,129, G>C on the plus strand (C>G on the coding strand, the complement: POLG is on the minus strand). VCF-style: chr15-89333129-G-C. GRCh37 (hg19) VCF-style: chr15-89876360-G-C.
Other names: c.681C>G, p.Pro227= (NM_001430120.1); c.626C>G, p.Pro209Arg (NM_001126131.2); short protein forms P209R.
Identifiers: ClinVar variation 3347560 (VCV003347560.1).